The following is an entry in ClinVar:

ClinVar aggregate classification (germline): Likely benign. Review status: criteria provided, single submitter (1 of 4 stars). 2 submissions from 2 submitters: Likely benign (1). 1 of the submissions does not count toward it. Last evaluated 2023-11-20.

Conditions:
Inborn genetic diseases. Identifiers: MedGen C0950123, MeSH D030342.
DLK1-related disorder. Also called: DLK1-related condition.

Allele frequency attached by ClinVar (database versions not stated): ExAC 0.00042; ESP Exome Variant Server 0.00054; 1000 Genomes Project 0.00060; gnomAD 0.00062; 1000 Genomes Project 30x 0.00078; gnomAD exomes 0.00078; TOPMed 0.00088.
gnomAD v4.1: 1,238 of 1,612,680 alleles (0.077%); highest among the groups gnomAD compares: Admixed American, 0.096%; 2 homozygotes.

Submissions (3):

Ambry Genetics
Classification: Likely benign for Inborn genetic diseases. Last evaluated: 2023-11-20. Review status: criteria provided, single submitter. Criteria: Ambry Variant Classification Scheme 2023. Collection method: clinical testing. Allele origin: germline.

PreventionGenetics, part of Exact Sciences
Classification: Likely benign for DLK1-related condition. Last evaluated: 2019-05-02. Review status: no assertion criteria provided. Collection method: clinical testing. Allele origin: germline. Not counted in ClinVar's aggregate classification.
Comment: This variant is classified as likely benign based on ACMG/AMP sequence variant interpretation guidelines (Richards et al. 2015 PMID: 25741868, with internal and published modifications).

Dr. Peter K. Rogan Lab, Western University
No classification provided (evidence only). Condition: Ovarian serous cystadenocarcinoma. Review status: no classification provided. Collection method: in vitro. Allele origin: not applicable. Functional consequence: retained intron. Not counted in ClinVar's aggregate classification.

NM_003836.7(DLK1):c.402C>T (p.Asn134=)

Gene: DLK1 (delta like non-canonical Notch ligand 1; plus strand). Cytogenetic location: 14q32.2.
Variant type: single nucleotide variant.
Coding change: c.402C>T on transcript NM_003836.7 (MANE Select); coding-DNA position 402, C replaced by T.
Protein change: p.Asn134=; no amino-acid change (asparagine 134 retained).
Molecular consequence: synonymous variant.
Genome position (GRCh38, 1-based): chr14:100,732,181, C>T. VCF-style: chr14-100732181-C-T. GRCh37 (hg19) VCF-style: chr14-101198518-C-T.
Other names: NC_000014.8:g.101198518C>T; c.402C>T, p.Asn134= (NM_001317172.2); c.402C>T (NM_003836.5).
Identifiers: ClinVar variation 3037474 (VCV003037474.4), dbSNP rs150016759, ClinGen allele CA7346611.